The following is an entry in ClinVar:

NM_001458.5(FLNC):c.4301G>T (p.Arg1434Leu)

Gene: FLNC (filamin C; plus strand). Cytogenetic location: 7q32.1.
Variant type: single nucleotide variant.
Coding change: c.4301G>T on transcript NM_001458.5 (MANE Select); coding-DNA position 4301, G replaced by T.
Protein change: p.Arg1434Leu; replaces arginine 1434 with leucine.
Molecular consequence: missense variant.
Genome position (GRCh38, 1-based): chr7:128,847,709, G>T. VCF-style: chr7-128847709-G-T. GRCh37 (hg19) VCF-style: chr7-128487763-G-T.
Other names: c.4301G>T, p.Arg1434Leu (NM_001127487.2); short protein forms R1434L.
Identifiers: ClinVar variation 432723 (VCV000432723.23), dbSNP rs143623535, ClinGen allele CA4475310.

ClinVar aggregate classification (germline): Conflicting classifications of pathogenicity. Review status: criteria provided, conflicting classifications (1 of 4 stars). 7 submissions from 7 submitters: Uncertain significance (1); Likely benign (6). Last evaluated 2026-03-27.

Conditions:
Hypertrophic cardiomyopathy 26. Also called: Cardiomyopathy, familial hypertrophic, 26. Identifiers: Orphanet 75249, MedGen C4310749, MONDO:0014883, OMIM 617047.
Distal myopathy with posterior leg and anterior hand involvement. Also called: WILLIAMS DISTAL MYOPATHY. Identifiers: Orphanet 63273, MedGen C3279722, MONDO:0013550, OMIM 614065.
Myofibrillar myopathy 5. Also called: Filaminopathy (type); FILAMINOPATHY, AUTOSOMAL DOMINANT. Identifiers: Orphanet 171445, MedGen C1836050, MONDO:0012289, OMIM 609524.
FLNC-related disorder. Also called: FLNC-related disorders; FLNC-related condition.
Cardiovascular phenotype. Identifiers: MedGen CN230736.

Allele frequency attached by ClinVar (database versions not stated): TOPMed 0.00034; 1000 Genomes Project 30x 0.00047; ESP Exome Variant Server 0.00057; 1000 Genomes Project 0.00060.
gnomAD v4.1: 93 of 1,614,054 alleles (0.0058%); highest among the groups gnomAD compares: African/African-American, 0.11%; no homozygotes.

Submissions (7):

Molecular Diagnostic Laboratory for Inherited Cardiovascular Disease, Montreal Heart Institute
Classification: Likely benign. Last evaluated: 2026-03-27. Review status: criteria provided, single submitter. Criteria: ACMG Guidelines, 2015. Collection method: clinical testing. Allele origin: germline. Affected: no.
Comment: BS1, BP6

Labcorp Genetics (formerly Invitae), Labcorp
Classification: Likely benign for Distal myopathy with posterior leg and anterior hand involvement; Myofibrillar myopathy 5; Hypertrophic cardiomyopathy 26. Last evaluated: 2026-01-27. Review status: criteria provided, single submitter. Criteria: Invitae Variant Classification Sherloc (09022015). Collection method: clinical testing. Allele origin: germline.

Ambry Genetics
Classification: Uncertain significance for Cardiovascular phenotype. Last evaluated: 2025-10-29. Review status: criteria provided, single submitter. Criteria: Ambry Variant Classification Scheme 2023. Collection method: clinical testing. Allele origin: germline.
Comment: The p.R1434L variant (also known as c.4301G>T), located in coding exon 25 of the FLNC gene, results from a G to T substitution at nucleotide position 4301. The arginine at codon 1434 is replaced by leucine, an amino acid with dissimilar properties. This alteration has been reported in a left ventricular non-compaction (LVNC) cohort and a pediatric cardiomyopathy cohort; however, clinical details were limited in both cases (Richard P et al. Clin Genet, 2019 Mar;95:356-367; Ware SM et al. Am J Hum Genet, 2022 Feb;109:282-298). This amino acid position is well conserved in available vertebrate species. In addition, the in silico prediction for this alteration is inconclusive. Since supporting evidence is limited at this time, the clinical significance of this alteration remains unclear.

PreventionGenetics, part of Exact Sciences
Classification: Likely benign for FLNC-related condition. Last evaluated: 2025-04-17. Review status: criteria provided, single submitter. Criteria: ACMG Guidelines, 2015. Collection method: clinical testing. Allele origin: germline.
Comment: This variant is classified as likely benign based on ACMG/AMP sequence variant interpretation guidelines (Richards et al. 2015 PMID: 25741868, with internal and published modifications).

Women's Health and Genetics/Laboratory Corporation of America, LabCorp
Classification: Likely benign. Last evaluated: 2024-12-17. Review status: criteria provided, single submitter. Criteria: LabCorp Variant Classification Summary - May 2015. Collection method: clinical testing. Allele origin: germline.
Comment: Variant summary: FLNC c.4301G>T (p.Arg1434Leu) results in a non-conservative amino acid change located in the Filamin/ABP280 repeat profile (IPR017868) of the encoded protein sequence. Three of five in-silico tools predict a damaging effect of the variant on protein function. The variant allele was found at a frequency of 5.2e-05 in 249060 control chromosomes. The observed variant frequency is approximately 7 fold of the estimated maximal expected allele frequency for a pathogenic variant in FLNC causing Dilated Cardiomyopathy phenotype (7.8e-06). c.4301G>T has been reported in the literature in an individual in a left ventricular non-compaction (LVNC) cohort (Richard_2019). These report(s) do not provide unequivocal conclusions about association of the variant with Dilated Cardiomyopathy. To our knowledge, no experimental evidence demonstrating an impact on protein function has been reported. The following publication have been ascertained in the context of this evaluation (PMID: 30471092). ClinVar contains an entry for this variant (Variation ID: 432723). Based on the evidence outlined above, the variant was classified as likely benign.

ARUP Laboratories, Molecular Genetics and Genomics, ARUP Laboratories
Classification: Likely benign. Last evaluated: 2022-09-20. Review status: criteria provided, single submitter. Criteria: ARUP Molecular Germline Variant Investigation Process 2021. Collection method: clinical testing. Allele origin: germline.

GeneDx
Classification: Likely benign. Last evaluated: 2020-09-02. Review status: criteria provided, single submitter. Criteria: GeneDx Variant Classification Process June 2021. Collection method: clinical testing. Allele origin: germline. Affected: yes.
Comment: Has not been previously published as pathogenic or benign to our knowledge; Reported in ClinVar (ClinVar Variant ID# 432723; Landrum et al., 2016)

Literature cited by the submitters: PubMed 30471092 (cited by Ambry Genetics and Women's Health and Genetics/Laboratory Corporation of America, LabCorp); PubMed 35026164 (cited by Ambry Genetics).